The following is an entry in ClinVar:

ClinVar aggregate classification (germline): Uncertain significance (1 of 4 stars; one submission).

Conditions:
Charcot-Marie-Tooth disease type 4. Also called: Charcot-Marie-Tooth disease, type IV; Charcot-Marie-Tooth, Type 4. Identifiers: Orphanet 64749, MedGen C4082197, MONDO:0018995.

Submission:

Labcorp Genetics (formerly Invitae), Labcorp
Classification: Uncertain significance for Charcot-Marie-Tooth disease type 4. Last evaluated: 2022-07-20. Review status: criteria provided, single submitter. Criteria: Invitae Variant Classification Sherloc (09022015). Collection method: clinical testing. Allele origin: germline.
Comment: In summary, the available evidence is currently insufficient to determine the role of this variant in disease. Therefore, it has been classified as a Variant of Uncertain Significance. Algorithms developed to predict the effect of missense changes on protein structure and function output the following: SIFT: "Tolerated"; PolyPhen-2: "Benign"; Align-GVGD: "Class C0". The alanine amino acid residue is found in multiple mammalian species, which suggests that this missense change does not adversely affect protein function. This variant has not been reported in the literature in individuals affected with SBF2-related conditions. This variant is not present in population databases (gnomAD no frequency). This sequence change replaces proline, which is neutral and non-polar, with alanine, which is neutral and non-polar, at codon 1076 of the SBF2 protein (p.Pro1076Ala).

NM_030962.4(SBF2):c.3226C>G (p.Pro1076Ala)

Genes: SBF2 (SET binding factor 2; minus strand), LOC101928008 (uncharacterized LOC101928008; plus strand). Cytogenetic location: 11p15.4.
Variant type: single nucleotide variant.
Coding change: c.3226C>G on transcript NM_030962.4 (MANE Select); coding-DNA position 3226, C replaced by G.
Protein change: p.Pro1076Ala; replaces proline 1076 with alanine.
Molecular consequence: missense variant.
Genome position (GRCh38, 1-based): chr11:9,842,655, G>C on the plus strand (C>G on the coding strand, the complement: SBF2 is on the minus strand). VCF-style: chr11-9842655-G-C. GRCh37 (hg19) VCF-style: chr11-9864202-G-C.
Other names: c.3226C>G, p.Pro1076Ala (NM_001386339.1); c.3097C>G, p.Pro1033Ala (NM_001386342.1); short protein forms P1033A, P1076A.
Identifiers: ClinVar variation 1913196 (VCV001913196.5), dbSNP rs1856244904, ClinGen allele CA379630949.
Genomic context (GRCh38, chr11:9,842,655, plus strand): 5'-ATAATGAAGGAAATTCAAGTTTTCACATACCAGATACATCATCATCTTCATTCCATCCAG[G>C]ACGATTTACTCTTTCTTCCACAATTGTCCCTGTCTTCTTCTTCAGTAAATATTGCCGCCC-3'
Protein context (NP_112224.1, residues 1066-1086): GTIVEERVNR[Pro1076Ala]GWNEDDDVSV